The following is an entry in ClinVar:

NM_000051.4(ATM):c.3328G>A (p.Ala1110Thr)

Gene: ATM (ATM serine/threonine kinase; plus strand). Cytogenetic location: 11q22.3.
Variant type: single nucleotide variant.
Coding change: c.3328G>A on transcript NM_000051.4 (MANE Select); coding-DNA position 3328, G replaced by A.
Protein change: p.Ala1110Thr; replaces alanine 1110 with threonine.
Molecular consequence: missense variant.
Genome position (GRCh38, 1-based): chr11:108,279,534, G>A. VCF-style: chr11-108279534-G-A. GRCh37 (hg19) VCF-style: chr11-108150261-G-A.
Other names: c.3328G>A, p.Ala1110Thr (NM_001351834.2); short protein forms A1110T.
Identifiers: ClinVar variation 186152 (VCV000186152.40), dbSNP rs147112946, ClinGen allele CA194002.

ClinVar aggregate classification (germline): Uncertain significance. Review status: criteria provided, multiple submitters, no conflicts (2 of 4 stars). 13 submissions from 13 submitters: Uncertain significance (11). 2 of the submissions do not count toward it. Last evaluated 2025-12-29.

Conditions:
ATM-related cancer predisposition. Also called: ATM-related cancer susceptibility. Identifiers: MedGen CN377759, MONDO:0700270.
ATM-related disorder. Also called: ATM-related disorders; ATM-related condition.
Hereditary cancer-predisposing syndrome. Also called: Neoplastic Syndromes, Hereditary; Tumor predisposition; Hereditary neoplastic syndrome; Hereditary Cancer Syndrome. Identifiers: Orphanet 140162, MedGen C0027672, MeSH D009386, MONDO:0015356.
Familial cancer of breast. Also called: Hereditary breast cancer; BREAST CANCER, FAMILIAL; hereditary breast carcinoma. Identifiers: Orphanet 227535, MedGen C0346153, MONDO:0016419, OMIM 114480. Disease mechanism: loss of function.
Ataxia-telangiectasia syndrome (AT). Also called: Cerebello-oculocutaneous telangiectasia; Immunodeficiency with ataxia telangiectasia; AT, COMPLEMENTATION GROUP C; LOUIS-BAR SYNDROME; Ataxia-telangiectasia, complementation group E; ATAXIA-TELANGIECTASIA, COMPLEMENTATION GROUP A. Identifiers: Orphanet 100, MedGen C0004135, MONDO:0008840, OMIM 208900.

Allele frequency attached by ClinVar (database versions not stated): gnomAD 0.00001; gnomAD exomes 0.00001 and 0.00002; ExAC 0.00003; TOPMed 0.00003; ESP Exome Variant Server 0.00008.
gnomAD v4.1: 14 of 1,613,548 alleles (0.00087%); highest among the groups gnomAD compares: Non-Finnish European, 0.0012%; no homozygotes.

Submissions (13):

Center for Genomic Medicine, Rigshospitalet, Copenhagen University Hospital
Classification: Uncertain significance. Last evaluated: 2025-12-29. Review status: criteria provided, single submitter. Criteria: ACMG Guidelines, 2015. Collection method: clinical testing. Allele origin: germline.
Comment: Classification criteria: BP4, PM2_supporting

Labcorp Genetics (formerly Invitae), Labcorp
Classification: Uncertain significance for Ataxia-telangiectasia syndrome. Last evaluated: 2025-12-15. Review status: criteria provided, single submitter. Criteria: Invitae Variant Classification Sherloc (09022015). Collection method: clinical testing. Allele origin: germline.
Comment: This sequence change replaces alanine, which is neutral and non-polar, with threonine, which is neutral and polar, at codon 1110 of the ATM protein (p.Ala1110Thr). This variant is present in population databases (rs147112946, gnomAD 0.002%). This missense change has been observed in individual(s) with soft‐tissue sarcoma (PMID: 30541756). ClinVar contains an entry for this variant (Variation ID: 186152). Invitae Evidence Modeling of protein sequence and biophysical properties (such as structural, functional, and spatial information, amino acid conservation, physicochemical variation, residue mobility, and thermodynamic stability) indicates that this missense variant is not expected to disrupt ATM protein function with a negative predictive value of 95%. In summary, the available evidence is currently insufficient to determine the role of this variant in disease. Therefore, it has been classified as a Variant of Uncertain Significance.

Color Diagnostics, LLC DBA Color Health
Classification: Uncertain significance for Hereditary cancer-predisposing syndrome. Last evaluated: 2025-11-12. Review status: criteria provided, single submitter. Criteria: ACMG Guidelines, 2015. Collection method: clinical testing. Allele origin: germline.
Comment: This missense variant replaces alanine with threonine at codon 801 of the ATM protein. Computational prediction suggests that this variant may not impact protein structure and function. To our knowledge, functional studies have not been reported for this variant. This variant has been reported in an individual affected with invasive breast cancer in the literature (PMID: 28779002). This variant has been identified in 6/281994 chromosomes in the general population by the Genome Aggregation Database (gnomAD). The available evidence is insufficient to determine the role of this variant in disease conclusively. Therefore, this variant is classified as a Variant of Uncertain Significance.

Dasa
Classification: Uncertain significance for ATM-related cancer predisposition. Last evaluated: 2025-04-29. Review status: criteria provided, single submitter. Criteria: DASA Assertion Criteria. Collection method: clinical testing. Allele origin: germline.
Comment: NM_000051.4(ATM):c.3328G>A (p.Ala1110Thr) is a missense variant that results in the substitution of alanine with threonine. This variant is rare in population databases. Computational prediction algorithms are consistent with a benign effect. The currently available literature and clinical evidence are not sufficient to establish a definitive association between this variant and the reported condition. Therefore, this variant is classified as a variant of uncertain significance.

Ambry Genetics
Classification: Uncertain significance for Hereditary cancer-predisposing syndrome. Last evaluated: 2025-03-28. Review status: criteria provided, single submitter. Criteria: Ambry Variant Classification Scheme 2023. Collection method: clinical testing. Allele origin: germline.
Comment: The p.A1110T variant (also known as c.3328G>A), located in coding exon 22 of the ATM gene, results from a G to A substitution at nucleotide position 3328. The alanine at codon 1110 is replaced by threonine, an amino acid with similar properties. This alteration has been reported in at least one subject in a study of 13087 breast cancer cases and 5488 control individuals in the UK (Decker B et al. J Med Genet, 2017 11;54:732-741). This amino acid position is not well conserved in available vertebrate species. In addition, this alteration is predicted to be tolerated by in silico analysis. Based on the available evidence, the clinical significance of this variant remains unclear.

Quest Diagnostics Nichols Institute San Juan Capistrano
Classification: Uncertain significance. Last evaluated: 2025-03-20. Review status: criteria provided, single submitter. Criteria: Quest Diagnostics criteria. Collection method: clinical testing. Allele origin: unknown.

PreventionGenetics, part of Exact Sciences
Classification: Uncertain significance for ATM-related condition. Last evaluated: 2024-10-04. Review status: criteria provided, single submitter. Criteria: ACMG Guidelines, 2015. Collection method: clinical testing. Allele origin: germline.
Comment: The ATM c.3328G>A variant is predicted to result in the amino acid substitution p.Ala1110Thr. This variant was identified in a patient with soft tissue sarcoma (Seligson et al. 2019. PubMed ID:30541756). This variant is reported in 0.0040% of alleles in individuals of African descent in gnomAD and is classified as uncertain in ClinVar. At this time, the clinical significance of this variant is uncertain due to the absence of conclusive functional and genetic evidence.

GeneDx
Classification: Uncertain significance. Last evaluated: 2024-05-06. Review status: criteria provided, single submitter. Criteria: GeneDx Variant Classification Process June 2021. Collection method: clinical testing. Allele origin: germline. Affected: yes.
Comment: Not observed at significant frequency in large population cohorts (gnomAD); In silico analysis supports that this missense variant does not alter protein structure/function; Observed in a patient with soft tissue sarcoma (PMID: 30541756); This variant is associated with the following publications: (PMID: 28652578, 19781682, 30541756)

Baylor Genetics
Classification: Uncertain significance for Familial cancer of breast. Last evaluated: 2023-11-26. Review status: criteria provided, single submitter. Criteria: ACMG Guidelines, 2015. Collection method: clinical testing. Allele origin: unknown.

Women's Health and Genetics/Laboratory Corporation of America, LabCorp
Classification: Uncertain significance. Last evaluated: 2020-08-04. Review status: criteria provided, single submitter. Criteria: LabCorp Variant Classification Summary - May 2015. Collection method: clinical testing. Allele origin: germline.
Comment: Variant summary: ATM c.3328G>A (p.Ala1110Thr) results in a non-conservative amino acid change in the encoded protein sequence. Four of five in-silico tools predict a benign effect of the variant on protein function. The variant allele was found at a frequency of 1.6e-05 in 250582 control chromosomes (gnomAD). The available data on variant occurrences in the general population are insufficient to allow any conclusion about variant significance. c.3328G>A has been reported in the literature in individuals affected with chronic lymphocytic leukemia and soft-tissue sarcomas (Tiao_2017, Seligson_2018). These reports do not provide unequivocal conclusions about association of the variant with Ataxia-Telangiectasia. To our knowledge, no experimental evidence demonstrating an impact on protein function has been reported. Five ClinVar submitters (evaluation after 2014) cite the variant as uncertain significance. Based on the evidence outlined above, the variant was classified as uncertain significance.

Fulgent Genetics
Classification: Uncertain significance for Familial cancer of breast; Ataxia-telangiectasia syndrome. Last evaluated: 2018-10-31. Review status: criteria provided, single submitter. Criteria: ACMG Guidelines, 2015. Collection method: clinical testing. Allele origin: unknown.

Natera, Inc.
Classification: Uncertain significance for Ataxia-telangiectasia. Last evaluated: 2020-10-08. Review status: no assertion criteria provided. Collection method: clinical testing. Allele origin: germline. Not counted in ClinVar's aggregate classification.

Counsyl
Classification: Uncertain significance for Ataxia-telangiectasia syndrome. Last evaluated: 2017-05-01. Review status: no assertion criteria provided. Collection method: clinical testing. Allele origin: unknown. Not counted in ClinVar's aggregate classification.

Literature cited by the submitters: PubMed 30541756 (cited by Labcorp Genetics (formerly Invitae), Labcorp and Women's Health and Genetics/Laboratory Corporation of America, LabCorp); PubMed 28779002 (cited by Color Diagnostics, LLC DBA Color Health and Ambry Genetics); PubMed 28652578 (cited by Women's Health and Genetics/Laboratory Corporation of America, LabCorp).